The following is an entry in ClinVar:

NM_203447.4(DOCK8):c.1199C>T (p.Pro400Leu)

Gene: DOCK8 (dedicator of cytokinesis 8; plus strand). Cytogenetic location: 9p24.3.
Variant type: single nucleotide variant.
Coding change: c.1199C>T on transcript NM_203447.4 (MANE Select); coding-DNA position 1199, C replaced by T.
Protein change: p.Pro400Leu; replaces proline 400 with leucine.
Molecular consequence: missense variant.
Genome position (GRCh38, 1-based): chr9:334,298, C>T. VCF-style: chr9-334298-C-T. GRCh37 (hg19) VCF-style: chr9-334298-C-T.
Other names: c.995C>T, p.Pro332Leu (NM_001190458.2, NM_001193536.2); short protein forms P332L, P400L.
Identifiers: ClinVar variation 2003084 (VCV002003084.4), dbSNP rs769995046, ClinGen allele CA4957644.

ClinVar aggregate classification (germline): Uncertain significance (1 of 4 stars; one submission).

Conditions:
Combined immunodeficiency due to DOCK8 deficiency (HIES2). Also called: HYPER-IgE SYNDROME 2, AUTOSOMAL RECESSIVE, WITH RECURRENT INFECTIONS; HYPER-IgE RECURRENT INFECTION SYNDROME 2, AUTOSOMAL RECESSIVE; DOCK8 Deficiency; HIES autosomal recessive; Hyper-IgE recurrent infection syndrome, autosomal recessive. Identifiers: Orphanet 217390, MedGen C4722305, MONDO:0009478, OMIM 243700.

Allele frequency attached by ClinVar (database versions not stated): gnomAD exomes below 0.00001; TOPMed below 0.00001; ExAC 0.00001.
gnomAD v4.1: 2 of 1,614,148 alleles (0.00012%); highest among the groups gnomAD compares: Admixed American, 0.0033%; no homozygotes.

Submission:

Labcorp Genetics (formerly Invitae), Labcorp
Classification: Uncertain significance for Combined immunodeficiency due to DOCK8 deficiency. Last evaluated: 2025-05-27. Review status: criteria provided, single submitter. Criteria: Invitae Variant Classification Sherloc (09022015). Collection method: clinical testing. Allele origin: germline.
Comment: This sequence change replaces proline, which is neutral and non-polar, with leucine, which is neutral and non-polar, at codon 400 of the DOCK8 protein (p.Pro400Leu). This variant is present in population databases (rs769995046, gnomAD 0.003%). This variant has not been reported in the literature in individuals affected with DOCK8-related conditions. ClinVar contains an entry for this variant (Variation ID: 2003084). Invitae Evidence Modeling of protein sequence and biophysical properties (such as structural, functional, and spatial information, amino acid conservation, physicochemical variation, residue mobility, and thermodynamic stability) indicates that this missense variant is expected to disrupt DOCK8 protein function with a positive predictive value of 80%. In summary, the available evidence is currently insufficient to determine the role of this variant in disease. Therefore, it has been classified as a Variant of Uncertain Significance.